The following is an entry in ClinVar:

ClinVar aggregate classification (germline): Likely benign. Review status: criteria provided, multiple submitters, no conflicts (2 of 4 stars). 2 submissions from 2 submitters: Likely benign (2). Last evaluated 2026-01-01.

Conditions:
Angelman syndrome (AS). Also called: HAPPY PUPPET SYNDROME. Identifiers: Orphanet 72, MedGen C0162635, MONDO:0007113, OMIM 105830. Disease mechanism: loss of function. Inheritance: imprinting disorder, AS is caused by disruption of maternally imprinted UBE3A located within the 15q11.2-q13 Angelman syndrome/Prader-Willi syndrome (AS/PWS) region..

Allele frequency attached by ClinVar (database versions not stated): gnomAD 0.00001; gnomAD exomes 0.00002 and 0.00004; ExAC 0.00004.
gnomAD v4.1: 33 of 1,614,022 alleles (0.002%); highest among the groups gnomAD compares: South Asian, 0.035%; 2 homozygotes.

Submissions (2):

CeGaT Center for Human Genetics Tuebingen
Classification: Likely benign. Last evaluated: 2026-01-01. Review status: criteria provided, single submitter. Criteria: CeGaT Center For Human Genetics Tuebingen Variant Classification Criteria Version 2. Collection method: clinical testing. Allele origin: germline. Affected: yes. Observed: 1 variant allele.
Comment: UBE3A: BP4, BP7

Labcorp Genetics (formerly Invitae), Labcorp
Classification: Likely benign for Angelman syndrome. Last evaluated: 2025-02-12. Review status: criteria provided, single submitter. Criteria: Invitae Variant Classification Sherloc (09022015). Collection method: clinical testing. Allele origin: germline.

NM_130839.5(UBE3A):c.1596T>C (p.Asp532=)

Genes: SNHG14 (small nucleolar RNA host gene 14; plus strand), UBE3A (ubiquitin protein ligase E3A; minus strand). Cytogenetic location: 15q11.2.
Variant type: single nucleotide variant.
Coding change: c.1596T>C on transcript NM_130839.5 (MANE Select); coding-DNA position 1596, T replaced by C.
Protein change: p.Asp532=; no amino-acid change (aspartic acid 532 retained).
Molecular consequence: synonymous variant. On other transcripts: non-coding transcript variant (1), intron variant (2).
Genome position (GRCh38, 1-based): chr15:25,370,578, A>G on the plus strand (T>C on the coding strand, the complement: UBE3A is on the minus strand). VCF-style: chr15-25370578-A-G. GRCh37 (hg19) VCF-style: chr15-25615725-A-G.
Other names: c.1605T>C, p.Asp535= (NM_000462.5); c.1596T>C, p.Asp532= (NM_001354505.1, NM_001354538.2, NM_001354545.2); c.1536T>C, p.Asp512= (NM_001354506.2, NM_001354507.2, NM_001354508.2 and 17 more transcripts); c.1419T>C, p.Asp473= (NM_001354546.2); c.301+4887T>C (NM_001354551.2); c.361+4887T>C (NM_001354550.2).
Identifiers: ClinVar variation 1123889 (VCV001123889.13), dbSNP rs748426530, ClinGen allele CA7435527.